The following is an entry in ClinVar:

NM_016529.6(ATP8A2):c.-3G>T

Gene: ATP8A2 (ATPase phospholipid transporting 8A2). Cytogenetic location: 13q12.13.
Variant type: single nucleotide variant.
Coding change: c.-3G>T on transcript NM_016529.6 (MANE Select); 3 bases upstream of the start codon, G replaced by T.
Molecular consequence: 5 prime UTR variant.
Genome position (GRCh38, 1-based): chr13:25,372,210, G>T. VCF-style: chr13-25372210-G-T. GRCh37 (hg19) VCF-style: chr13-25946348-G-T.
Other names: c.-3G>T (NM_001411005.1, NM_001411006.1).
Identifiers: ClinVar variation 5037388 (VCV005037388.1).

ClinVar aggregate classification (germline): Uncertain significance (1 of 4 stars; one submission).

Submission:

GeneDx
Classification: Uncertain significance. Last evaluated: 2026-04-23. Review status: criteria provided, single submitter. Criteria: GeneDx Variant Classification Process June 2021. Collection method: clinical testing. Allele origin: germline.
Comment: Not observed at significant frequency in large population cohorts (gnomAD); Has not been previously published as pathogenic or benign to our knowledge; Alters the Kozak sequence, which plays a major role in the initiation of translation